The following is an entry in ClinVar:

ClinVar aggregate classification (germline): Likely pathogenic (1 of 4 stars; one submission).

Conditions:
TH-deficient dopa-responsive dystonia. Also called: Segawa syndrome, autosomal recessive; DYT-TH; Tyrosine Hydroxylase-Deficient Dopa-Responsive Dystonia. Identifiers: Orphanet 101150, MedGen C2673535, MONDO:0011551, OMIM 605407.

Submission:

Myriad Genetics, Inc.
Classification: Likely pathogenic for TH-deficient dopa-responsive dystonia. Last evaluated: 2022-02-25. Review status: criteria provided, single submitter. Criteria: Myriad Women's Health Autosomal Recessive and X-Linked Classification Criteria (2021). Collection method: clinical testing. Allele origin: unknown.
Comment: NM_199292.2(TH):c.447_463del17(Q150Gfs*62) is expected to be pathogenic in the context of tyrosine hydroxylase deficiency. This variant is predicted to lead to an abnormal or absent protein product due to the creation of a premature termination codon in TH, a gene where loss-of-function variants are known to be pathogenic. Please note: this variant was assessed in the context of healthy population screening.

NM_000360.4(TH):c.354_370del (p.Gln119fs)

Gene: TH (tyrosine hydroxylase; minus strand). Cytogenetic location: 11p15.5.
Variant type: Deletion.
Coding change: c.354_370del on transcript NM_000360.4 (MANE Select); coding-DNA positions 354 to 370, 17 bases deleted (CCAGAGGCCGCGAGCTG).
Protein change: p.Gln119fs; shifts the reading frame from glutamine 119.
Molecular consequence: frameshift variant.
Genome position (GRCh38, 1-based): chr11:2,168,608-2,168,624, CAGCTCGCGGCCTCTGG deleted on the plus strand (CCAGAGGCCGCGAGCTG on the coding strand, the reverse complement: TH is on the minus strand). VCF-style (leftmost placement, unchanged base first): chr11-2168607-CCAGCTCGCGGCCTCTGG-C. GRCh37 (hg19) VCF-style: chr11-2189837-CCAGCTCGCGGCCTCTGG-C.
Other names: c.447_463del, p.Gln150fs (NM_199292.3); c.435_451del, p.Gln146fs (NM_199293.3); short protein forms Q119fs, Q146fs, Q150fs.
Identifiers: ClinVar variation 1724662 (VCV001724662.2), dbSNP rs2495821664, ClinGen allele CA2580082633.
Genomic context (GRCh38, chr11:2,168,607, plus strand): 5'-AGGGCGGCCAGGTCCCCTCGGCGCACCTCGAGGCGCACGAAGTACTCCAGGTGGGGGCCC[CCAGCTCGCGGCCTCTGG>C]GCGGGCCGGGTCTCTAGATGGTGGATTTTGGCTTCAAACGTCTTAGGGAGCAAAAGCAGG-3'